The following is an entry in ClinVar:

ClinVar aggregate classification (germline): Likely benign (0 of 4 stars; one submission).

Conditions:
DNMT3A-related disorder. Also called: DNMT3A-related disorders; DNMT3A-related condition.

Submission:

PreventionGenetics, part of Exact Sciences
Classification: Likely benign for DNMT3A-related condition. Last evaluated: 2024-05-13. Review status: no assertion criteria provided. Collection method: clinical testing. Allele origin: germline.
Comment: This variant is classified as likely benign based on ACMG/AMP sequence variant interpretation guidelines (Richards et al. 2015 PMID: 25741868, with internal and published modifications).

NM_022552.5(DNMT3A):c.2016G>T (p.Val672=)

Gene: DNMT3A (DNA methyltransferase 3 alpha; minus strand). Cytogenetic location: 2p23.3.
Variant type: single nucleotide variant.
Coding change: c.2016G>T on transcript NM_022552.5 (MANE Select); coding-DNA position 2016, G replaced by T.
Protein change: p.Val672=; no amino-acid change (valine 672 retained).
Molecular consequence: synonymous variant. On other transcripts: non-coding transcript variant (1).
Genome position (GRCh38, 1-based): chr2:25,241,628, C>A on the plus strand (G>T on the coding strand, the complement: DNMT3A is on the minus strand). VCF-style: chr2-25241628-C-A. GRCh37 (hg19) VCF-style: chr2-25464497-C-A.
Other names: c.1560G>T, p.Val520= (NM_001320893.1); c.1347G>T, p.Val449= (NM_001375819.1); c.1449G>T, p.Val483= (NM_153759.3); c.2016G>T, p.Val672= (NM_175629.2).
Identifiers: ClinVar variation 3348022 (VCV003348022.1).
Genomic context (GRCh38, chr2:25,241,628, plus strand): 5'-CTGTGTGACGCTGCGGACGTCCCCGACGTACATGATCTTCCCCTGGTGCCGCACCATGCC[C>A]ACCGTGATGGAGTCCTCACACACCTCCGAGGCAATGTAGCGGTCCACCTGAATGCCCAAG-3'
Protein context (NP_072046.2, residues 662-682): ASEVCEDSIT[Val672=]GMVRHQGKIM